The following is an entry in ClinVar:

ClinVar aggregate classification (germline): Likely pathogenic (1 of 4 stars; one submission).

Conditions:
Familial hypobetalipoproteinemia 1. Also called: Hypobetalipoproteinemia, normotriglyceridemic; Acanthocytosis with hypobetalipoproteinemia; APOB-Related Familial Hypobetalipoproteinemia. Identifiers: MedGen C4551990, MONDO:0014252, OMIM 615558.
Hypercholesterolemia, autosomal dominant, type B (FHCL2). Also called: APOLIPOPROTEIN B-100, FAMILIAL DEFECTIVE; APOLIPOPROTEIN B-100, FAMILIAL LIGAND-DEFECTIVE; Familial Hypercholesterolemia Type B; Hyperlipoproteinemia Type IIb; HYPERCHOLESTEROLEMIA, FAMILIAL, DUE TO LIGAND-DEFECTIVE APOLIPOPROTEIN B; APOB-Related Familial Hypercholesterolemia, Autosomal Dominant. Identifiers: MedGen C1704417, MONDO:0007751, OMIM 144010.

Submission:

Juno Genomics, Hangzhou Juno Genomics, Inc
Classification: Likely pathogenic for Hypercholesterolemia, autosomal dominant, type B; Familial hypobetalipoproteinemia 1. Review status: criteria provided, single submitter. Criteria: ACMG Guidelines, 2015. Collection method: clinical testing. Allele origin: germline.
Comment: Null variant in a gene where loss of function (LOF) is a known mechanism of disease.;Absent from controls (or at extremely low frequency if recessive) in Genome Aggregation Database.

NM_000384.3(APOB):c.2760del (p.Lys921fs)

Gene: APOB (apolipoprotein B; minus strand). Cytogenetic location: 2p24.1.
Variant type: Deletion.
Coding change: c.2760del on transcript NM_000384.3 (MANE Select); coding-DNA position 2760, one base deleted (G; older notation c.2760delG).
Protein change: p.Lys921fs; shifts the reading frame from lysine 921.
Molecular consequence: frameshift variant.
Genome position (GRCh38, 1-based): chr2:21,022,887, C deleted on the plus strand (G on the coding strand, the reverse complement: APOB is on the minus strand); the first of 3 consecutive C bases (chr2:21,022,887-21,022,889); deleting any one gives the same sequence. VCF-style (leftmost placement, unchanged base first): chr2-21022886-TC-T. GRCh37 (hg19) VCF-style: chr2-21245758-TC-T.
Other names: short protein forms K921fs.
Identifiers: ClinVar variation 5006202 (VCV005006202.2).